The following is an entry in ClinVar:

ClinVar aggregate classification (germline): Benign/Likely benign. Review status: criteria provided, multiple submitters, no conflicts (2 of 4 stars). 5 submissions from 4 submitters: Benign (2); Likely benign (3). Last evaluated 2024-10-15.

Conditions:
Familial visceral amyloidosis, Ostertag type (AMYLD2). Also called: Ostertag type amyloidosis; Familial visceral amyloidosis; AMYLOIDOSIS, HEREDITARY SYSTEMIC 2; AMYLOIDOSIS VIII; Amyloidosis, hepatic and systemic; Hereditary Renal Amyloidosis. Identifiers: Orphanet 85450, MedGen C0268389, MONDO:0007099, OMIM 105200.
Congenital afibrinogenemia. Identifiers: Orphanet 335, Orphanet 98880, MedGen C2584774, MONDO:0008737, OMIM 202400.
Familial dysfibrinogenemia. Also called: Dysfibrinogenemia, congenital. Identifiers: Orphanet 335, Orphanet 98881, MedGen C0272350, MONDO:0014452, OMIM 616004.

Allele frequency attached by ClinVar (database versions not stated): 1000 Genomes Project 30x 0.00078; 1000 Genomes Project 0.00100; ESP Exome Variant Server 0.00185; gnomAD 0.00220 and 0.00240; TOPMed 0.00249.
gnomAD v4.1: 687 of 1,605,438 alleles (0.043%); highest among the groups gnomAD compares: African/African-American, 0.79%; 1 homozygote.

Submissions (5):

Blueprint Genetics
Classification: Likely benign. Last evaluated: 2024-10-15. Review status: criteria provided, single submitter. Criteria: ACMG Guidelines, 2015. Collection method: clinical testing. Allele origin: germline.

Women's Health and Genetics/Laboratory Corporation of America, LabCorp
Classification: Likely benign. Last evaluated: 2024-01-26. Review status: criteria provided, single submitter. Criteria: LabCorp Variant Classification Summary - May 2015. Collection method: clinical testing. Allele origin: germline.

Fulgent Genetics
Classification: Benign for Familial visceral amyloidosis, Ostertag type; Congenital afibrinogenemia; Familial dysfibrinogenemia. Last evaluated: 2021-08-04. Review status: criteria provided, single submitter. Criteria: ACMG Guidelines, 2015. Collection method: clinical testing. Allele origin: unknown.

Illumina Laboratory Services, Illumina
Classification: Benign for Familial visceral amyloidosis, Ostertag type. Last evaluated: 2018-01-13. Review status: criteria provided, single submitter. Criteria: ICSL Variant Classification Criteria 13 December 2019. Collection method: clinical testing. Allele origin: germline.
Comment: This variant was observed in the ICSL laboratory as part of a predisposition screen in an ostensibly healthy population. It had not been previously curated by ICSL or reported in the Human Gene Mutation Database (HGMD: prior to June 1st, 2018), and was therefore a candidate for classification through an automated scoring system. Utilizing variant allele frequency, disease prevalence and penetrance estimates, and inheritance mode, an automated score was calculated to assess if this variant is too frequent to cause the disease. Based on the score and internal cut-off values, a variant classified as benign is not then subjected to further curation. The score for this variant resulted in a classification of benign for this disease.

Illumina Laboratory Services, Illumina
Classification: Likely benign for Congenital afibrinogenemia. Last evaluated: 2018-01-13. Review status: criteria provided, single submitter. Criteria: ICSL Variant Classification Criteria 13 December 2019. Collection method: clinical testing. Allele origin: germline.
Comment: This variant was observed in the ICSL laboratory as part of a predisposition screen in an ostensibly healthy population. It had not been previously curated by ICSL or reported in the Human Gene Mutation Database (HGMD: prior to June 1st, 2018), and was therefore a candidate for classification through an automated scoring system. Utilizing variant allele frequency, disease prevalence and penetrance estimates, and inheritance mode, an automated score was calculated to assess if this variant is too frequent to cause the disease. Based on the score and internal cut-off values, a variant classified as likely benign is not then subjected to further curation. The score for this variant resulted in a classification of likely benign for this disease.

NM_021871.4(FGA):c.181-14C>T

Gene: FGA (fibrinogen alpha chain; minus strand). Cytogenetic location: 4q31.3.
Variant type: single nucleotide variant.
Coding change: c.181-14C>T on transcript NM_021871.4 (MANE Select); 14 bases into the intron before coding-DNA position 181, C replaced by T.
Molecular consequence: intron variant.
Genome position (GRCh38, 1-based): chr4:154,588,990, G>A on the plus strand (C>T on the coding strand, the complement: FGA is on the minus strand). VCF-style: chr4-154588990-G-A. GRCh37 (hg19) VCF-style: chr4-155510142-G-A.
Other names: c.181-14C>T (NM_000508.5).
Identifiers: ClinVar variation 900538 (VCV000900538.7), dbSNP rs190703077, ClinGen allele CA3115360.